The following is an entry in ClinVar:

ClinVar aggregate classification (germline): Conflicting classifications of pathogenicity. Review status: criteria provided, conflicting classifications (1 of 4 stars). 2 submissions from 2 submitters: Uncertain significance (1); Likely benign (1). Last evaluated 2024-08-27.

Conditions:
Hereditary cancer-predisposing syndrome. Also called: Neoplastic Syndromes, Hereditary; Hereditary neoplastic syndrome; Tumor predisposition; Hereditary Cancer Syndrome. Identifiers: Orphanet 140162, MedGen C0027672, MeSH D009386, MONDO:0015356.

Submissions (2):

Ambry Genetics
Classification: Uncertain significance for Hereditary cancer-predisposing syndrome. Last evaluated: 2024-08-27. Review status: criteria provided, single submitter. Criteria: Ambry Variant Classification Scheme 2023. Collection method: clinical testing. Allele origin: germline.
Comment: The c.1748-5C>T intronic variant results from a C to T substitution 5 nucleotides upstream from coding exon 12 in the CTNNA1 gene. This nucleotide position is poorly conserved in available vertebrate species. In silico splice site analysis predicts that this alteration will not have any significant effect on splicing. The evidence for this gene-disease relationship is limited; therefore, the clinical significance of this alteration is unclear.

Labcorp Genetics (formerly Invitae), Labcorp
Classification: Likely benign. Last evaluated: 2023-03-22. Review status: criteria provided, single submitter. Criteria: Invitae Variant Classification Sherloc (09022015). Collection method: clinical testing. Allele origin: germline.

NM_001903.5(CTNNA1):c.1748-5C>T

Gene: CTNNA1 (catenin alpha 1; plus strand). Cytogenetic location: 5q31.2.
Variant type: single nucleotide variant.
Coding change: c.1748-5C>T on transcript NM_001903.5 (MANE Select); 5 bases into the intron before coding-DNA position 1748, C replaced by T.
Molecular consequence: intron variant.
Genome position (GRCh38, 1-based): chr5:138,925,251, C>T. VCF-style: chr5-138925251-C-T. GRCh37 (hg19) VCF-style: chr5-138260940-C-T.
Other names: c.1748-5C>T (NM_001323982.2, NM_001323984.2, NM_001290307.3 and 3 more transcripts); c.1655-5C>T (NM_001323986.2); c.1379-5C>T (NM_001290310.3); c.1439-5C>T (NM_001290309.3); c.638-5C>T (NM_001323996.1, NM_001323993.1, NM_001324005.1 and 17 more transcripts); c.299-5C>T (NM_001324007.1, NM_001324009.1, NM_001324006.1 and 2 more transcripts); c.395-5C>T (NM_001324013.1, NM_001324012.1); c.545-5C>T (NM_001324011.1).
Identifiers: ClinVar variation 2898701 (VCV002898701.4), dbSNP rs2533731121, ClinGen allele CA2739275086.